The following is an entry in ClinVar:

ClinVar aggregate classification (germline): Pathogenic. Review status: criteria provided, multiple submitters, no conflicts (2 of 4 stars). 5 submissions from 5 submitters: Pathogenic (4). 1 of the submissions does not count toward it. Last evaluated 2025-03-17.

Conditions:
CYP4V2-related disorder. Also called: CYP4V2-related disorders; CYP4V2-related condition.
Retinal dystrophy. Also called: Inherited retinal dystrophy. Identifiers: Orphanet 71862, MedGen C0854723, MeSH D058499, MONDO:0019118, HP:0000556.
Bietti crystalline corneoretinal dystrophy (BCD). Also called: Bietti Crystalline Dystrophy; BIETTI TAPETORETINAL DEGENERATION WITH MARGINAL CORNEAL DYSTROPHY. Identifiers: Orphanet 41751, MedGen C1859486, MONDO:0008865, OMIM 210370.

Allele frequency attached by ClinVar (database versions not stated): gnomAD 0.00005; TOPMed 0.00006; ESP Exome Variant Server 0.00008; gnomAD exomes 0.00008 and 0.00020; ExAC 0.00036.
gnomAD v4.1: 124 of 1,613,704 alleles (0.0077%); highest among the groups gnomAD compares: Non-Finnish European, 0.0092%; no homozygotes.

Submissions (5):

Labcorp Genetics (formerly Invitae), Labcorp
Classification: Pathogenic. Last evaluated: 2025-03-17. Review status: criteria provided, single submitter. Criteria: Invitae Variant Classification Sherloc (09022015). Collection method: clinical testing. Allele origin: germline.
Comment: This sequence change creates a premature translational stop signal (p.Gly134*) in the CYP4V2 gene. It is expected to result in an absent or disrupted protein product. Loss-of-function variants in CYP4V2 are known to be pathogenic (PMID: 15042513, 25118264). This variant is present in population databases (rs199476189, gnomAD 0.04%). This premature translational stop signal has been observed in individual(s) with Bietti crystalline corneoretinal dystrophy (PMID: 15042513). This variant is also known as c.704G>T. ClinVar contains an entry for this variant (Variation ID: 39265). Algorithms developed to predict the effect of sequence changes on RNA splicing suggest that this variant may disrupt the consensus splice site. For these reasons, this variant has been classified as Pathogenic.

Blueprint Genetics
Classification: Pathogenic for CYP4V2-related disorders. Last evaluated: 2024-09-03. Review status: criteria provided, single submitter. Criteria: ACMG Guidelines, 2015. Collection method: clinical testing. Allele origin: germline. Affected: yes. Observed: 5 variant alleles.

Institute of Human Genetics, Univ. Regensburg, Univ. Regensburg
Classification: Pathogenic for Retinal dystrophy. Last evaluated: 2021-01-01. Review status: criteria provided, single submitter. Criteria: ACMG Guidelines, 2015. Collection method: clinical testing. Allele origin: germline. Affected: yes.

CeGaT Center for Human Genetics Tuebingen
Classification: Pathogenic. Last evaluated: 2018-08-01. Review status: criteria provided, single submitter. Criteria: CeGaT Center For Human Genetics Tuebingen Variant Classification Criteria Version 2. Collection method: clinical testing. Allele origin: germline. Affected: yes. Observed: 1 variant allele.

GeneReviews
Classification: Pathogenic for Bietti Crystalline Dystrophy. Last evaluated: 2012-04-12. Review status: no assertion criteria provided. Collection method: curation. Allele origin: unknown. Not counted in ClinVar's aggregate classification.
ClinVar note: Converted during submission from pathologic to Pathogenic.

Literature cited by the submitters: PubMed 15042513 (cited by Labcorp Genetics (formerly Invitae), Labcorp and Institute of Human Genetics, Univ. Regensburg, Univ. Regensburg); PubMed 25118264 (cited by Labcorp Genetics (formerly Invitae), Labcorp); PubMed 25525159 (cited by Institute of Human Genetics, Univ. Regensburg, Univ. Regensburg); PubMed 31589614 (cited by Institute of Human Genetics, Univ. Regensburg, Univ. Regensburg); PubMed 31964843 (cited by Institute of Human Genetics, Univ. Regensburg, Univ. Regensburg); PubMed 32531858 (cited by Institute of Human Genetics, Univ. Regensburg, Univ. Regensburg); PubMed 34310258 (cited by Institute of Human Genetics, Univ. Regensburg, Univ. Regensburg).

NM_207352.4(CYP4V2):c.400G>T (p.Gly134Ter)

Gene: CYP4V2 (cytochrome P450 family 4 subfamily V member 2; plus strand). Cytogenetic location: 4q35.1.
Variant type: single nucleotide variant.
Coding change: c.400G>T on transcript NM_207352.4 (MANE Select); coding-DNA position 400, G replaced by T.
Protein change: p.Gly134Ter; replaces glycine 134 with a stop codon.
Molecular consequence: nonsense.
Genome position (GRCh38, 1-based): chr4:186,196,075, G>T. VCF-style: chr4-186196075-G-T. GRCh37 (hg19) VCF-style: chr4-187117229-G-T.
Other names: c.704G>T; short protein forms G134*.
Identifiers: ClinVar variation 39265 (VCV000039265.51), dbSNP rs199476189, ClinGen allele CA343731.